The following is an entry in ClinVar:

NM_001793.6(CDH3):c.1934A>C (p.Glu645Ala)

Gene: CDH3 (cadherin 3; plus strand). Cytogenetic location: 16q22.1.
Variant type: single nucleotide variant.
Coding change: c.1934A>C on transcript NM_001793.6 (MANE Select); coding-DNA position 1934, A replaced by C.
Protein change: p.Glu645Ala; replaces glutamic acid 645 with alanine.
Molecular consequence: missense variant.
Genome position (GRCh38, 1-based): chr16:68,691,858, A>C. VCF-style: chr16-68691858-A-C. GRCh37 (hg19) VCF-style: chr16-68725761-A-C.
Other names: c.1934A>C, p.Glu645Ala (NM_001317195.3); c.1769A>C, p.Glu590Ala (NM_001317196.2); c.1934A>C (NM_001793.4); short protein forms E590A, E645A.
Identifiers: ClinVar variation 1025092 (VCV001025092.11), dbSNP rs780349546, ClinGen allele CA8129514.

ClinVar aggregate classification (germline): Uncertain significance. Review status: criteria provided, multiple submitters, no conflicts (2 of 4 stars). 2 submissions from 2 submitters: Uncertain significance (2). Last evaluated 2025-10-22.

Conditions:
Inborn genetic diseases. Identifiers: MedGen C0950123, MeSH D030342.

Allele frequency attached by ClinVar (database versions not stated): ExAC 0.00002; gnomAD exomes 0.00002.
gnomAD v4.1: 6 of 1,614,136 alleles (0.00037%); highest among the groups gnomAD compares: Non-Finnish European, 0.00051%; no homozygotes.

Submissions (2):

Ambry Genetics
Classification: Uncertain significance for Inborn genetic diseases. Last evaluated: 2025-10-22. Review status: criteria provided, single submitter. Criteria: Ambry Variant Classification Scheme 2023. Collection method: clinical testing. Allele origin: germline.

Labcorp Genetics (formerly Invitae), Labcorp
Classification: Uncertain significance. Last evaluated: 2022-02-03. Review status: criteria provided, single submitter. Criteria: Invitae Variant Classification Sherloc (09022015). Collection method: clinical testing. Allele origin: germline.
Comment: In summary, the available evidence is currently insufficient to determine the role of this variant in disease. Therefore, it has been classified as a Variant of Uncertain Significance. Algorithms developed to predict the effect of missense changes on protein structure and function are either unavailable or do not agree on the potential impact of this missense change (SIFT: "Not Available"; PolyPhen-2: "Benign"; Align-GVGD: "Not Available"). ClinVar contains an entry for this variant (Variation ID: 1025092). This variant has not been reported in the literature in individuals affected with CDH3-related conditions. This variant is present in population databases (rs780349546, gnomAD 0.004%). This sequence change replaces glutamic acid, which is acidic and polar, with alanine, which is neutral and non-polar, at codon 645 of the CDH3 protein (p.Glu645Ala).